The following is an entry in ClinVar:

NM_000268.4(NF2):c.1284del (p.Lys429fs)

Gene: NF2 (NF2, moesin-ezrin-radixin like (MERLIN) tumor suppressor; plus strand). Cytogenetic location: 22q12.2.
Variant type: Deletion.
Coding change: c.1284del on transcript NM_000268.4 (MANE Select); coding-DNA position 1284, one base deleted (G; older notation c.1284delG).
Protein change: p.Lys429fs; shifts the reading frame from lysine 429.
Molecular consequence: frameshift variant. On other transcripts: intron variant (1).
Genome position (GRCh38, 1-based): chr22:29,673,430, G deleted. VCF-style (leftmost placement, unchanged base first): chr22-29673429-AG-A. GRCh37 (hg19) VCF-style: chr22-30069418-AG-A.
Other names: c.1170del, p.Lys391fs (NM_001407053.1, NM_001407056.1); c.1161del, p.Lys388fs (NM_001407054.1, NM_001407058.1, NM_181829.3); c.1158del, p.Lys387fs (NM_001407055.1, NM_181828.3); c.1149del, p.Lys384fs (NM_001407057.1, NM_001407059.1); c.1284del, p.Lys429fs (NM_001407060.1, NM_001407066.1, NM_016418.5 and 2 more transcripts); c.1026del, p.Lys343fs (NM_001407062.1); c.1035del, p.Lys346fs (NM_001407063.1, NM_001407064.1, NM_181830.3 and 1 more transcripts); c.750del, p.Lys251fs (NM_001407065.1); and 2 more; short protein forms K251fs, K343fs, K352fs, K391fs, K384fs, K387fs, K346fs, K388fs.
Identifiers: ClinVar variation 2697037 (VCV002697037.3), dbSNP rs2518681643, ClinGen allele CA2697552676.

ClinVar aggregate classification (germline): Pathogenic (1 of 4 stars; one submission).

Conditions:
Neurofibromatosis, type 2 (SWNV). Also called: BILATERAL ACOUSTIC NEUROFIBROMATOSIS; SCHWANNOMATOSIS, VESTIBULAR; NF2-Related Schwannomatosis. Identifiers: Orphanet 637, MedGen C0027832, MONDO:0007039, OMIM 101000. Disease mechanism: loss of function.

Submission:

Labcorp Genetics (formerly Invitae), Labcorp
Classification: Pathogenic for Neurofibromatosis, type 2. Last evaluated: 2023-11-18. Review status: criteria provided, single submitter. Criteria: Invitae Variant Classification Sherloc (09022015). Collection method: clinical testing. Allele origin: germline.
Comment: This sequence change creates a premature translational stop signal (p.Lys429Argfs*10) in the NF2 gene. It is expected to result in an absent or disrupted protein product. Loss-of-function variants in NF2 are known to be pathogenic (PMID: 9643284, 16983642). This variant is not present in population databases (gnomAD no frequency). This variant has not been reported in the literature in individuals affected with NF2-related conditions. For these reasons, this variant has been classified as Pathogenic.

Literature cited by the submitters: PubMed 9643284; PubMed 16983642.